The following is an entry in ClinVar:

NM_197968.4(ZMYM2):c.2815A>G (p.Ser939Gly)

Gene: ZMYM2 (zinc finger MYM-type containing 2; plus strand). Cytogenetic location: 13q12.11.
Variant type: single nucleotide variant.
Coding change: c.2815A>G on transcript NM_197968.4 (MANE Select); coding-DNA position 2815, A replaced by G.
Protein change: p.Ser939Gly; replaces serine 939 with glycine.
Molecular consequence: missense variant. On other transcripts: non-coding transcript variant (1).
Genome position (GRCh38, 1-based): chr13:20,061,128, A>G. VCF-style: chr13-20061128-A-G. GRCh37 (hg19) VCF-style: chr13-20635268-A-G.
Other names: c.2815A>G, p.Ser939Gly (NM_001190964.4, NM_001190965.4, NM_001353157.2 and 5 more transcripts); c.2620A>G, p.Ser874Gly (NM_001353161.3); c.2554A>G, p.Ser852Gly (NM_001353163.2); short protein forms S852G, S874G, S939G.
Identifiers: ClinVar variation 3600893 (VCV003600893.1).

ClinVar aggregate classification (germline): Uncertain significance (1 of 4 stars; one submission).

Submission:

GeneDx
Classification: Uncertain significance. Last evaluated: 2024-07-22. Review status: criteria provided, single submitter. Criteria: GeneDx Variant Classification Process June 2021. Collection method: clinical testing. Allele origin: germline. Affected: yes.
Comment: Not observed at significant frequency in large population cohorts (gnomAD); In silico analysis indicates that this missense variant does not alter protein structure/function; Has not been previously published as pathogenic or benign to our knowledge